The following is an entry in ClinVar:

NM_006946.4(SPTBN2):c.5922G>A (p.Leu1974=)

Gene: SPTBN2 (spectrin beta, non-erythrocytic 2; minus strand). Cytogenetic location: 11q13.2.
Variant type: single nucleotide variant.
Coding change: c.5922G>A on transcript NM_006946.4 (MANE Select); coding-DNA position 5922, G replaced by A.
Protein change: p.Leu1974=; no amino-acid change (leucine 1974 retained).
Molecular consequence: synonymous variant.
Genome position (GRCh38, 1-based): chr11:66,689,832, C>T on the plus strand (G>A on the coding strand, the complement: SPTBN2 is on the minus strand). VCF-style: chr11-66689832-C-T. GRCh37 (hg19) VCF-style: chr11-66457303-C-T.
Other names: c.5943G>A, p.Leu1981= (NM_001411025.1).
Identifiers: ClinVar variation 3905088 (VCV003905088.10).

ClinVar aggregate classification (germline): Likely benign (1 of 4 stars; one submission).

gnomAD v4.1: 19 of 1,613,960 alleles (0.0012%); highest among the groups gnomAD compares: Non-Finnish European, 0.0016%; no homozygotes.

Submission:

CeGaT Center for Human Genetics Tuebingen
Classification: Likely benign. Last evaluated: 2025-05-01. Review status: criteria provided, single submitter. Criteria: CeGaT Center For Human Genetics Tuebingen Variant Classification Criteria Version 2. Collection method: clinical testing. Allele origin: germline. Affected: yes. Observed: 1 variant allele.
Comment: SPTBN2: BP4, BP7